The following is an entry in ClinVar:

NM_000092.5(COL4A4):c.2226dup (p.Pro743fs)

Gene: COL4A4 (collagen type IV alpha 4 chain; minus strand). Cytogenetic location: 2q36.3.
Variant type: Duplication.
Coding change: c.2226dup on transcript NM_000092.5 (MANE Select); coding-DNA position 2226, one base duplicated (G; older notation c.2226dupG).
Protein change: p.Pro743fs; shifts the reading frame from proline 743.
Molecular consequence: frameshift variant.
Genome position (GRCh38, 1-based): chr2:227,059,562, C duplicated on the plus strand (G on the coding strand, the reverse complement: COL4A4 is on the minus strand); the first of 3 consecutive C bases (chr2:227,059,562-227,059,564); duplicating any one gives the same sequence. VCF-style (leftmost placement, unchanged base first): chr2-227059561-G-GC. GRCh37 (hg19) VCF-style: chr2-227924277-G-GC.
Other names: short protein forms P743fs.
Identifiers: ClinVar variation 5012126 (VCV005012126.1).

ClinVar aggregate classification (germline): Pathogenic (1 of 4 stars; one submission).

Conditions:
Alport syndrome. Also called: Hemorrhagic familial nephritis; Hemorrhagic hereditary nephritis; Congenital hereditary hematuria. Identifiers: Orphanet 63, MedGen C1567741, MONDO:0018965.

Submission:

Myriad Genetics, Inc.
Classification: Pathogenic for Alport syndrome. Last evaluated: 2023-09-27. Review status: criteria provided, single submitter. Criteria: Myriad Autosomal Dominant, Autosomal Recessive and X-Linked Classification Criteria (2023). Collection method: clinical testing. Allele origin: unknown.
Comment: NM_000092.4(COL4A4):c.2226dupG(P743Afs*45) is expected to be pathogenic in the context of Alport syndrome, COL4A4-related. This variant is predicted to lead to an abnormal or absent protein product due to the creation of a premature termination codon in COL4A4, a gene where loss-of-function variants are known to be pathogenic. Please note: this variant was assessed in the context of healthy population screening.